The following is an entry in ClinVar:

NM_002693.3(POLG):c.3254C>T (p.Pro1085Leu)

Gene: POLG (DNA polymerase gamma, catalytic subunit; minus strand). Cytogenetic location: 15q26.1.
Variant type: single nucleotide variant.
Coding change: c.3254C>T on transcript NM_002693.3 (MANE Select); coding-DNA position 3254, C replaced by T.
Protein change: p.Pro1085Leu; replaces proline 1085 with leucine.
Molecular consequence: missense variant.
Genome position (GRCh38, 1-based): chr15:89,318,950, G>A on the plus strand (C>T on the coding strand, the complement: POLG is on the minus strand). VCF-style: chr15-89318950-G-A. GRCh37 (hg19) VCF-style: chr15-89862181-G-A.
Other names: c.3254C>T, p.Pro1085Leu (NM_001126131.2); short protein forms P1085L.
Identifiers: ClinVar variation 4802410 (VCV004802410.1).

ClinVar aggregate classification (germline): Uncertain significance (1 of 4 stars; one submission).

Conditions:
Progressive sclerosing poliodystrophy (MTDPS4A). Also called: ALPERS PROGRESSIVE INFANTILE POLIODYSTROPHY; NEURONAL DEGENERATION OF CHILDHOOD WITH LIVER DISEASE, PROGRESSIVE; Mitochondrial DNA Depletion Syndrome 4A; Alpers Syndrome; ALPERS DIFFUSE DEGENERATION OF CEREBRAL GRAY MATTER WITH HEPATIC CIRRHOSIS; Alpers-Huttenlocher Syndrome. Identifiers: Orphanet 726, MedGen C0205710, MONDO:0008758, OMIM 203700.

Submission:

Labcorp Genetics (formerly Invitae), Labcorp
Classification: Uncertain significance for Progressive sclerosing poliodystrophy. Last evaluated: 2025-10-26. Review status: criteria provided, single submitter. Criteria: Invitae Variant Classification Sherloc (09022015). Collection method: clinical testing. Allele origin: germline.
Comment: This sequence change replaces proline, which is neutral and non-polar, with leucine, which is neutral and non-polar, at codon 1085 of the POLG protein (p.Pro1085Leu). This variant is not present in population databases (gnomAD no frequency). This variant has not been reported in the literature in individuals affected with POLG-related conditions. Invitae Evidence Modeling of protein sequence and biophysical properties (such as structural, functional, and spatial information, amino acid conservation, physicochemical variation, residue mobility, and thermodynamic stability) indicates that this missense variant is expected to disrupt POLG protein function with a positive predictive value of 95%. In summary, the available evidence is currently insufficient to determine the role of this variant in disease. Therefore, it has been classified as a Variant of Uncertain Significance.